The following is an entry in ClinVar:

ClinVar aggregate classification (germline): Uncertain significance. Review status: criteria provided, multiple submitters, no conflicts (2 of 4 stars). 2 submissions from 2 submitters: Uncertain significance (2). Last evaluated 2025-03-16.

Allele frequency attached by ClinVar (database versions not stated): gnomAD exomes below 0.00001.
gnomAD v4.1: 1 of 1,614,220 alleles (0.000062%); highest among the groups gnomAD compares: Admixed American, 0.0017%; no homozygotes.

Submissions (2):

GeneDx
Classification: Uncertain significance. Last evaluated: 2025-03-16. Review status: criteria provided, single submitter. Criteria: GeneDx Variant Classification Process June 2021. Collection method: clinical testing. Allele origin: germline. Affected: yes.
Comment: Not observed at significant frequency in large population cohorts (gnomAD); In silico analysis indicates that this missense variant does not alter protein structure/function; Has not been previously published as pathogenic or benign to our knowledge

Labcorp Genetics (formerly Invitae), Labcorp
Classification: Uncertain significance. Last evaluated: 2022-01-13. Review status: criteria provided, single submitter. Criteria: Invitae Variant Classification Sherloc (09022015). Collection method: clinical testing. Allele origin: germline.
Comment: In summary, the available evidence is currently insufficient to determine the role of this variant in disease. Therefore, it has been classified as a Variant of Uncertain Significance. Algorithms developed to predict the effect of missense changes on protein structure and function are either unavailable or do not agree on the potential impact of this missense change (SIFT: "Deleterious"; PolyPhen-2: "Possibly Damaging"; Align-GVGD: "Class C0"). This variant has not been reported in the literature in individuals affected with CNTNAP1-related conditions. This variant is present in population databases (no rsID available, gnomAD 0.003%). This sequence change replaces glutamine, which is neutral and polar, with histidine, which is basic and polar, at codon 452 of the CNTNAP1 protein (p.Gln452His).

NM_003632.3(CNTNAP1):c.1356G>T (p.Gln452His)

Gene: CNTNAP1 (contactin associated protein 1; plus strand). Cytogenetic location: 17q21.2.
Variant type: single nucleotide variant.
Coding change: c.1356G>T on transcript NM_003632.3 (MANE Select); coding-DNA position 1356, G replaced by T.
Protein change: p.Gln452His; replaces glutamine 452 with histidine.
Molecular consequence: missense variant.
Genome position (GRCh38, 1-based): chr17:42,688,511, G>T. VCF-style: chr17-42688511-G-T. GRCh37 (hg19) VCF-style: chr17-40840529-G-T.
Other names: c.1356G>T (NM_003632.2); short protein forms Q452H.
Identifiers: ClinVar variation 1393189 (VCV001393189.6), dbSNP rs1479761540, ClinGen allele CA399638931.